The following is an entry in ClinVar:

ClinVar aggregate classification (germline): Likely benign (1 of 4 stars; one submission).

Submission:

GeneDx
Classification: Likely benign. Last evaluated: 2019-12-12. Review status: criteria provided, single submitter. Criteria: GeneDx Variant Classification Process June 2021. Collection method: clinical testing. Allele origin: germline. Affected: yes.
Comment: In silico analysis, which includes protein predictors and evolutionary conservation, supports that this variant does not alter protein structure/function; Not observed in large population cohorts (Lek et al., 2016); Has not been previously published as pathogenic or benign to our knowledge

NM_012335.4(MYO1F):c.2515_2516delinsAA (p.Ala839Asn)

Gene: MYO1F (myosin IF; minus strand). Cytogenetic location: 19p13.2.
Variant type: Indel.
Coding change: c.2515_2516delinsAA on transcript NM_012335.4 (MANE Select); coding-DNA positions 2515 to 2516, GC replaced by AA.
Protein change: p.Ala839Asn; replaces alanine 839 with asparagine.
Molecular consequence: missense variant.
Genome position (GRCh38, 1-based): chr19:8,526,894-8,526,895, GC replaced by TT on the plus strand (GC replaced by AA on the coding strand, the reverse complement: MYO1F is on the minus strand). VCF-style: chr19-8526894-GC-TT. GRCh37 (hg19) VCF-style: chr19-8591778-GC-TT.
Other names: c.2503_2504delinsAA, p.Ala835Asn (NM_001348355.2); short protein forms A835N, A839N.
Identifiers: ClinVar variation 1315699 (VCV001315699.2), dbSNP rs2145829234, ClinGen allele CA2573054851.